The following is an entry in ClinVar:

NM_052854.4(CREB3L1):c.1105G>A (p.Ala369Thr)

Gene: CREB3L1 (cAMP responsive element binding protein 3 like 1; plus strand). Cytogenetic location: 11p11.2.
Variant type: single nucleotide variant.
Coding change: c.1105G>A on transcript NM_052854.4 (MANE Select); coding-DNA position 1105, G replaced by A.
Protein change: p.Ala369Thr; replaces alanine 369 with threonine.
Molecular consequence: missense variant.
Genome position (GRCh38, 1-based): chr11:46,316,359, G>A. VCF-style: chr11-46316359-G-A. GRCh37 (hg19) VCF-style: chr11-46337910-G-A.
Other names: short protein forms A369T.
Identifiers: ClinVar variation 1206467 (VCV001206467.5), dbSNP rs201046043, ClinGen allele CA5961769.

ClinVar aggregate classification (germline): Uncertain significance. Review status: criteria provided, multiple submitters, no conflicts (2 of 4 stars). 2 submissions from 2 submitters: Uncertain significance (2). Last evaluated 2022-08-15.

Allele frequency attached by ClinVar (database versions not stated): gnomAD exomes 0.00016; TOPMed 0.00020; gnomAD 0.00025; ExAC 0.00036; ESP Exome Variant Server 0.00040.
gnomAD v4.1: 503 of 1,570,936 alleles (0.032%); highest among the groups gnomAD compares: Non-Finnish European, 0.041%; no homozygotes.

Submissions (2):

Labcorp Genetics (formerly Invitae), Labcorp
Classification: Uncertain significance. Last evaluated: 2022-08-15. Review status: criteria provided, single submitter. Criteria: Invitae Variant Classification Sherloc (09022015). Collection method: clinical testing. Allele origin: germline.
Comment: This sequence change replaces alanine, which is neutral and non-polar, with threonine, which is neutral and polar, at codon 369 of the CREB3L1 protein (p.Ala369Thr). This variant is present in population databases (rs201046043, gnomAD 0.03%). This variant has not been reported in the literature in individuals affected with CREB3L1-related conditions. ClinVar contains an entry for this variant (Variation ID: 1206467). Algorithms developed to predict the effect of missense changes on protein structure and function are either unavailable or do not agree on the potential impact of this missense change (SIFT: "Deleterious"; PolyPhen-2: "Benign"; Align-GVGD: "Class C0"). In summary, the available evidence is currently insufficient to determine the role of this variant in disease. Therefore, it has been classified as a Variant of Uncertain Significance.

GeneDx
Classification: Uncertain significance. Last evaluated: 2019-12-20. Review status: criteria provided, single submitter. Criteria: GeneDx Variant Classification Process June 2021. Collection method: clinical testing. Allele origin: germline. Affected: yes.
Comment: In silico analysis, which includes protein predictors and evolutionary conservation, supports that this variant does not alter protein structure/function; Has not been previously published as pathogenic or benign to our knowledge